The following is an entry in ClinVar:

ClinVar aggregate classification (germline): Uncertain significance (1 of 4 stars; one submission).

Conditions:
Familial adenomatous polyposis 1 (FAP1). Also called: FAMILIAL ADENOMATOUS POLYPOSIS 1, ATTENUATED; POLYPOSIS, ADENOMATOUS INTESTINAL. Identifiers: MedGen C2713442, MONDO:0021056, OMIM 175100. Disease mechanism: loss of function.

Allele frequency attached by ClinVar (database versions not stated): gnomAD 0.00002 and 0.00003; 1000 Genomes Project 30x 0.00016; TOPMed 0.00001; 1000 Genomes Project 0.00020.

Submission:

Labcorp Genetics (formerly Invitae), Labcorp
Classification: Uncertain significance for Familial adenomatous polyposis 1. Last evaluated: 2025-10-28. Review status: criteria provided, single submitter. Criteria: Invitae Variant Classification Sherloc (09022015). Collection method: clinical testing. Allele origin: germline.
Comment: This variant occurs in a non-coding region of the APC gene. It does not change the encoded amino acid sequence of the APC protein. This variant is present in population databases (rs532048458, gnomAD 0.01%). This variant has not been reported in the literature in individuals affected with APC-related conditions. ClinVar contains an entry for this variant (Variation ID: 647920). Experimental studies and prediction algorithms are not available or were not evaluated, and the functional significance of this variant is currently unknown. In summary, the available evidence is currently insufficient to determine the role of this variant in disease. Therefore, it has been classified as a Variant of Uncertain Significance.

NC_000005.10:g.112707431T>C

Gene: APC (APC regulator of Wnt signaling pathway; plus strand). Cytogenetic location: 5q22.2.
Variant type: single nucleotide variant.
Genome position: GRCh38 VCF-style: chr5-112707431-T-C. GRCh37 (hg19) VCF-style: chr5-112043128-T-C.
Identifiers: ClinVar variation 647920 (VCV000647920.9), dbSNP rs532048458, ClinGen allele CA124924649.